The following is an entry in ClinVar:

NM_004064.5(CDKN1B):c.432_433insAA (p.Ala145fs)

Gene: CDKN1B (cyclin dependent kinase inhibitor 1B; plus strand). Cytogenetic location: 12p13.1.
Variant type: Insertion.
Coding change: c.432_433insAA on transcript NM_004064.5 (MANE Select); coding-DNA positions 432 to 433, AA inserted.
Protein change: p.Ala145fs; shifts the reading frame from alanine 145.
Molecular consequence: frameshift variant.
Genome position: GRCh38 VCF-style: chr12-12718270-T-TAA. GRCh37 (hg19) VCF-style: chr12-12871204-T-TAA.
Other names: short protein forms A145fs.
Identifiers: ClinVar variation 4733303 (VCV004733303.1).
Genomic context (GRCh38, chr12:12,718,270, plus strand): 5'-ACTCTGAGGACACGCATTTGGTGGACCCAAAGACTGATCCGTCGGACAGCCAGACGGGGT[T>TAA]AGCGGAGCAATGCGCAGGAATAAGGAAGCGACCTGCAACCGACGGTAATGACCCTTTCCC-3'

ClinVar aggregate classification (germline): Pathogenic (1 of 4 stars; one submission).

Conditions:
Multiple endocrine neoplasia type 4. Also called: MULTIPLE ENDOCRINE NEOPLASIA, TYPE IV. Identifiers: Orphanet 276152, MedGen C1970712, MONDO:0012552, OMIM 610755.

Submission:

Labcorp Genetics (formerly Invitae), Labcorp
Classification: Pathogenic for Multiple endocrine neoplasia type 4. Last evaluated: 2025-12-15. Review status: criteria provided, single submitter. Criteria: Invitae Variant Classification Sherloc (09022015). Collection method: clinical testing. Allele origin: germline.
Comment: This sequence change creates a premature translational stop signal (p.Ala145Lysfs*8) in the CDKN1B gene. It is expected to result in an absent or disrupted protein product. Loss-of-function variants in CDKN1B are known to be pathogenic (PMID: 17030811, 24819502). This variant is not present in population databases (gnomAD no frequency). This variant has not been reported in the literature in individuals affected with CDKN1B-related conditions. For these reasons, this variant has been classified as Pathogenic.

Literature cited by the submitters: PubMed 17030811; PubMed 24819502.